The following is an entry in ClinVar:

NM_004985.5(KRAS):c.24A>G (p.Val8=)

Gene: KRAS (KRas proto-oncogene, GTPase; minus strand). Cytogenetic location: 12p12.1.
Variant type: single nucleotide variant.
Coding change: c.24A>G on transcript NM_004985.5 (MANE Select); coding-DNA position 24, A replaced by G.
Protein change: p.Val8=; no amino-acid change (valine 8 retained).
Molecular consequence: synonymous variant.
Genome position (GRCh38, 1-based): chr12:25,245,361, T>C on the plus strand (A>G on the coding strand, the complement: KRAS is on the minus strand). VCF-style: chr12-25245361-T-C. GRCh37 (hg19) VCF-style: chr12-25398295-T-C.
Other names: p.V8V:GTA>GTG; NM_004985.4(KRAS):c.24A>G; c.24A>G, p.Val8= (NM_001369786.1, NM_001369787.1, NM_033360.4).
Identifiers: ClinVar variation 45119 (VCV000045119.67), dbSNP rs147406419, ClinGen allele CA135558.

ClinVar aggregate classification (germline): Likely benign. Review status: reviewed by expert panel (3 of 4 stars). 16 submissions from 16 submitters: Likely benign (1). 15 of the submissions do not count toward it. Last evaluated 2017-04-18.

Conditions:
Noonan syndrome 3 (NS3). Also called: KRAS-Related Noonan Syndrome. Identifiers: Orphanet 648, MedGen C1860991, MONDO:0012371, OMIM 609942.
Linear nevus sebaceous syndrome. Also called: Linear nevus sebaceous; Nevus, Sebaceous of Jadassohn; JADASSOHN NEVUS PHAKOMATOSIS; NEVUS SEBACEUS OF JADASSOHN; ORGANOID NEVUS PHAKOMATOSIS; SFM SYNDROME. Identifiers: Orphanet 2612, MedGen C4552097, MONDO:0008097, OMIM 163200, HP:0010817.
Toriello-Lacassie-Droste syndrome. Identifiers: Orphanet 3339, MedGen C1838329, MONDO:0010854, OMIM 600268.
Cerebral arteriovenous malformation (BAVM). Also called: Arteriovenous malformations of the brain; CEREBRAL ARTERIOVENOUS MALFORMATIONS. Identifiers: Orphanet 46724, MedGen C0917804, MONDO:0007154, OMIM 108010, HP:0002408.
Malignant tumor of urinary bladder. Also called: Bladder cancer; Urinary Bladder Neoplasms; Urinary bladder cancer. Identifiers: MedGen C0005684, MONDO:0001187, OMIM 109800.
Gastric cancer. Also called: Stomach cancer; Malignant tumor of stomach. Identifiers: MedGen C0024623, MeSH D013274, MONDO:0001056, OMIM 613659, HP:0012126.
Acute myeloid leukemia (AML). Also called: Leukemia, acute myeloid, somatic; Leukemia, acute myelogenous, somatic; Acute myeloid leukemia, adult; AML adult; Acute non-lymphocytic leukemia; Acute granulocytic leukemia. Identifiers: Orphanet 519, MedGen C0023467, MeSH D015470, MONDO:0018874, OMIM 601626, HP:0004808. Disease mechanism: Constitutively activated FLT3.
Cardiofaciocutaneous syndrome 2 (CFC2). Also called: KRAS-Related Cardiofaciocutaneous Syndrome. Identifiers: Orphanet 1340, MedGen C3809005, MONDO:0014112, OMIM 615278.
Carcinoma of pancreas. Also called: Pancreatic cancer, somatic; PANCREATIC ACINAR CARCINOMA; PANCREATIC CARCINOMA; Pancreatic carcinoma, somatic; Exocrine pancreatic carcinoma. Identifiers: Orphanet 1333, Orphanet 217074, MedGen C0235974, MONDO:0005192. Disease mechanism: loss of function.
Autoimmune lymphoproliferative syndrome type 4. Also called: RAS-associated autoimmune leukoproliferative disorder; AUTOIMMUNE LYMPHOPROLIFERATIVE SYNDROME, TYPE IV. Identifiers: Orphanet 268114, MedGen C2674723, MONDO:0013767, OMIM 614470.
Familial cancer of breast. Also called: Hereditary breast cancer; BREAST CANCER, FAMILIAL; hereditary breast carcinoma. Identifiers: Orphanet 227535, MedGen C0346153, MONDO:0016419, OMIM 114480. Disease mechanism: loss of function.
Lung cancer. Also called: Malignant tumor of lung; Lung cancer, somatic. Identifiers: MedGen C0242379, MONDO:0008903, OMIM 211980.
Cardiovascular phenotype. Identifiers: MedGen CN230736.
RASopathy. Also called: rasopathies; Noonan spectrum disorder. Identifiers: Orphanet 536391, MedGen C5555857, MONDO:0021060.

Allele frequency attached by ClinVar (database versions not stated): ESP Exome Variant Server 0.00015; gnomAD 0.00023 and 0.00025; TOPMed 0.00023; gnomAD exomes 0.00025 and 0.00049; ExAC 0.00037.
gnomAD v4.1: 742 of 1,612,464 alleles (0.046%); highest among the groups gnomAD compares: Non-Finnish European, 0.06%; no homozygotes.

Submissions (16):

ClinGen RASopathy Variant Curation Expert Panel
Classification: Likely benign for Noonan syndrome and Noonan-related syndrome. Last evaluated: 2017-04-18. Review status: reviewed by expert panel. Criteria: ClinGen RASopathy ACMG Specifications v1. Collection method: curation. Allele origin: germline. Inheritance: Autosomal dominant inheritance.
Comment: The filtering allele frequency of the c.24A>G (p.Val8=) variant in the KRAS gene is 0.0499% (35/51828) of European chromosomes by the Exome Aggregation Consortium, which is a high enough frequency to be classified as likely benign based on thresholds defined by the ClinGen RASopathy Expert Panel (BS1; PMID:29493581)

Labcorp Genetics (formerly Invitae), Labcorp
Classification: Likely benign for RASopathy. Last evaluated: 2026-01-26. Review status: criteria provided, single submitter. Criteria: Invitae Variant Classification Sherloc (09022015). Collection method: clinical testing. Allele origin: germline. Not counted in ClinVar's aggregate classification.

CeGaT Center for Human Genetics Tuebingen
Classification: Likely benign. Last evaluated: 2025-01-01. Review status: criteria provided, single submitter. Criteria: CeGaT Center For Human Genetics Tuebingen Variant Classification Criteria Version 2. Collection method: clinical testing. Allele origin: germline. Affected: yes. Observed: 4 variant alleles. Not counted in ClinVar's aggregate classification.
Comment: KRAS: BP4, BP7

Blueprint Genetics
Classification: Likely benign. Last evaluated: 2024-08-29. Review status: criteria provided, single submitter. Criteria: ACMG Guidelines, 2015. Collection method: clinical testing. Allele origin: germline. Not counted in ClinVar's aggregate classification.

ARUP Laboratories, Molecular Genetics and Genomics, ARUP Laboratories
Classification: Likely benign. Last evaluated: 2023-10-19. Review status: criteria provided, single submitter. Criteria: ARUP Molecular Germline Variant Investigation Process 2024. Collection method: clinical testing. Allele origin: germline. Not counted in ClinVar's aggregate classification.

Ambry Genetics
Classification: Benign for Cardiovascular phenotype. Last evaluated: 2021-12-30. Review status: criteria provided, single submitter. Criteria: Ambry General Variant Classification Scheme_2022. Collection method: clinical testing. Allele origin: germline. Observed: 1 variant allele. Not counted in ClinVar's aggregate classification.

Fulgent Genetics
Classification: Likely benign for Cerebral arteriovenous malformation; Malignant tumor of urinary bladder; Familial cancer of breast; Linear nevus sebaceous syndrome; Lung cancer; Familial pancreatic carcinoma; Toriello-Lacassie-Droste syndrome; Acute myeloid leukemia; Noonan syndrome 3; Gastric cancer; Autoimmune lymphoproliferative syndrome type 4; Cardiofaciocutaneous syndrome 2. Last evaluated: 2021-08-26. Review status: criteria provided, single submitter. Criteria: ACMG Guidelines, 2015. Collection method: clinical testing. Allele origin: unknown. Not counted in ClinVar's aggregate classification.

Women's Health and Genetics/Laboratory Corporation of America, LabCorp
Classification: Benign. Last evaluated: 2019-12-23. Review status: criteria provided, single submitter. Criteria: LabCorp Variant Classification Summary - May 2015. Collection method: clinical testing. Allele origin: germline. Not counted in ClinVar's aggregate classification.

GeneDx
Classification: Benign. Last evaluated: 2014-05-23. Review status: criteria provided, single submitter. Criteria: GeneDx Variant Classification (06012015). Collection method: clinical testing. Allele origin: germline. Affected: yes. Not counted in ClinVar's aggregate classification.
Comment: This variant is considered likely benign or benign based on one or more of the following criteria: it is a conservative change, it occurs at a poorly conserved position in the protein, it is predicted to be benign by multiple in silico algorithms, and/or has population frequency not consistent with disease.

Laboratory for Molecular Medicine, Mass General Brigham Personalized Medicine
Classification: Likely benign. Last evaluated: 2010-02-24. Review status: criteria provided, single submitter. Criteria: LMM Criteria. Collection method: clinical testing. Allele origin: somatic. Observed: 1 variant allele. Not counted in ClinVar's aggregate classification.

PreventionGenetics, part of Exact Sciences
Classification: Likely benign. Review status: criteria provided, single submitter. Criteria: ACMG Guidelines, 2015. Collection method: clinical testing. Allele origin: germline. Not counted in ClinVar's aggregate classification.

Clinical Genetics DNA and cytogenetics Diagnostics Lab, Erasmus MC, Erasmus Medical Center
Classification: Likely benign. Review status: no assertion criteria provided. Collection method: clinical testing. Allele origin: germline. Affected: yes. Study: VKGL Data-share Consensus. Not counted in ClinVar's aggregate classification.

Clinical Genetics, Academic Medical Center
Classification: Likely benign. Review status: no assertion criteria provided. Collection method: clinical testing. Allele origin: germline. Affected: yes. Study: VKGL Data-share Consensus. Not counted in ClinVar's aggregate classification.

Department of Pathology and Laboratory Medicine, Sinai Health System
Classification: Likely benign. Review status: no assertion criteria provided. Collection method: clinical testing. Allele origin: unknown. Affected: yes. Observed: 1 variant allele. Study: The Canadian Open Genetics Repository (COGR). Not counted in ClinVar's aggregate classification.

Genome Diagnostics Laboratory, University Medical Center Utrecht
Classification: Likely benign. Review status: no assertion criteria provided. Collection method: clinical testing. Allele origin: germline. Affected: yes. Study: VKGL Data-share Consensus. Not counted in ClinVar's aggregate classification.

Joint Genome Diagnostic Labs from Nijmegen and Maastricht, Radboudumc and MUMC+
Classification: Likely benign. Review status: no assertion criteria provided. Collection method: clinical testing. Allele origin: germline. Affected: yes. Study: VKGL Data-share Consensus. Not counted in ClinVar's aggregate classification.

Literature cited by the submitters: PubMed 18456719 (cited by Laboratory for Molecular Medicine, Mass General Brigham Personalized Medicine); PubMed 17409930 (cited by Laboratory for Molecular Medicine, Mass General Brigham Personalized Medicine).